The following is an entry in ClinVar:

ClinVar aggregate classification (germline): Benign. Review status: criteria provided, multiple submitters, no conflicts (2 of 4 stars). 5 submissions from 5 submitters: Benign (3). 2 of the submissions do not count toward it. Last evaluated 2026-02-04.

Conditions:
Retinitis pigmentosa (RP). Identifiers: Orphanet 791, MedGen C0035334, MeSH D012174, MONDO:0019200, OMIM 268000. Inheritance: Autosomal dominant, autosomal recessive and X linked inheritance.

Allele frequency attached by ClinVar (database versions not stated): 1000 Genomes Project 30x 0.35181; 1000 Genomes Project 0.35763; TOPMed 0.37694; gnomAD 0.39984 and 0.39987; ESP Exome Variant Server 0.40205; gnomAD exomes 0.42218 and 0.46221; ExAC 0.42383.

Submissions (5):

Labcorp Genetics (formerly Invitae), Labcorp
Classification: Benign. Last evaluated: 2026-02-04. Review status: criteria provided, single submitter. Criteria: Invitae Variant Classification Sherloc (09022015). Collection method: clinical testing. Allele origin: germline.

Illumina Laboratory Services, Illumina
Classification: Benign for Retinitis pigmentosa. Last evaluated: 2018-01-13. Review status: criteria provided, single submitter. Criteria: ICSL Variant Classification Criteria 13 December 2019. Collection method: clinical testing. Allele origin: germline.
Comment: This variant was observed in the ICSL laboratory as part of a predisposition screen in an ostensibly healthy population. It had not been previously curated by ICSL or reported in the Human Gene Mutation Database (HGMD: prior to June 1st, 2018), and was therefore a candidate for classification through an automated scoring system. Utilizing variant allele frequency, disease prevalence and penetrance estimates, and inheritance mode, an automated score was calculated to assess if this variant is too frequent to cause the disease. Based on the score and internal cut-off values, a variant classified as benign is not then subjected to further curation. The score for this variant resulted in a classification of benign for this disease.

Breakthrough Genomics
Classification: Benign. Review status: criteria provided, single submitter. Criteria: ACMG Guidelines, 2015. Collection method: not provided. Allele origin: germline. Inheritance: Autosomal recessive inheritance. Affected: yes.

Diagnostic Laboratory, Department of Genetics, University Medical Center Groningen
Classification: Benign. Review status: no assertion criteria provided. Collection method: clinical testing. Allele origin: germline. Affected: yes. Study: VKGL Data-share Consensus. Not counted in ClinVar's aggregate classification.

Joint Genome Diagnostic Labs from Nijmegen and Maastricht, Radboudumc and MUMC+
Classification: Benign. Review status: no assertion criteria provided. Collection method: clinical testing. Allele origin: germline. Affected: yes. Study: VKGL Data-share Consensus. Not counted in ClinVar's aggregate classification.

NM_016247.4(IMPG2):c.666+10G>A

Gene: IMPG2 (interphotoreceptor matrix proteoglycan 2; minus strand). Cytogenetic location: 3q12.3.
Variant type: single nucleotide variant.
Coding change: c.666+10G>A on transcript NM_016247.4 (MANE Select); 10 bases into the intron after coding-DNA position 666, G replaced by A.
Molecular consequence: intron variant.
Genome position (GRCh38, 1-based): chr3:101,275,653, C>T on the plus strand (G>A on the coding strand, the complement: IMPG2 is on the minus strand). VCF-style: chr3-101275653-C-T. GRCh37 (hg19) VCF-style: chr3-100994497-C-T.
Identifiers: ClinVar variation 342355 (VCV000342355.19), dbSNP rs533852, ClinGen allele CA2519414.
Genomic context (GRCh38, chr3:101,275,653, plus strand): 5'-GGAGATAAACTCTCTCTTAATCTCTATGTTCCATGTTAGAAACTAACTAACAAAACAGAG[C>T]ATCACTCACACTCTCCTCTGGCCTTTCCAAGCTGCTCTCTGAGGCACCTTCATAGGCGTC-3'